The following is an entry in ClinVar:

NM_001267550.2(TTN):c.67327C>T (p.Arg22443Cys)

Genes: TTN (titin; minus strand), TTN-AS1 (TTN antisense RNA 1; plus strand). Cytogenetic location: 2q31.2.
Variant type: single nucleotide variant.
Coding change: c.67327C>T on transcript NM_001267550.2 (MANE Select); coding-DNA position 67327, C replaced by T.
Protein change: p.Arg22443Cys; replaces arginine 22443 with cysteine.
Molecular consequence: missense variant.
Genome position (GRCh38, 1-based): chr2:178,579,960, G>A on the plus strand (C>T on the coding strand, the complement: TTN is on the minus strand). VCF-style: chr2-178579960-G-A. GRCh37 (hg19) VCF-style: chr2-179444687-G-A.
Other names: c.62404C>T, p.Arg20802Cys (NM_001256850.1); c.40132C>T, p.Arg13378Cys (NM_003319.4); c.59623C>T, p.Arg19875Cys (NM_133378.4); c.40507C>T, p.Arg13503Cys (NM_133432.3); c.40708C>T, p.Arg13570Cys (NM_133437.4); short protein forms R20802C, R13503C, R13570C, R22443C, R13378C, R19875C.
Identifiers: ClinVar variation 1737035 (VCV001737035.28), dbSNP rs1304938868, ClinGen allele CA349423996.

ClinVar aggregate classification (germline): Uncertain significance. Review status: criteria provided, multiple submitters, no conflicts (2 of 4 stars). 3 submissions from 3 submitters: Uncertain significance (3). Last evaluated 2023-11-01.

Conditions:
Cardiovascular phenotype. Identifiers: MedGen CN230736.

Allele frequency attached by ClinVar (database versions not stated): gnomAD 0.00001; gnomAD exomes 0.00001; TOPMed 0.00001.
gnomAD v4.1: 5 of 1,613,026 alleles (0.00031%); highest among the groups gnomAD compares: South Asian, 0.0011%; no homozygotes.

Submissions (3):

CeGaT Center for Human Genetics Tuebingen
Classification: Uncertain significance. Last evaluated: 2023-11-01. Review status: criteria provided, single submitter. Criteria: CeGaT Center For Human Genetics Tuebingen Variant Classification Criteria Version 2. Collection method: clinical testing. Allele origin: germline. Affected: yes. Observed: 1 variant allele.
Comment: TTN: PM2

Revvity Omics, Revvity
Classification: Uncertain significance. Last evaluated: 2022-01-27. Review status: criteria provided, single submitter. Criteria: ACMG Guidelines, 2015. Collection method: clinical testing. Allele origin: germline.

Ambry Genetics
Classification: Uncertain significance for Cardiovascular phenotype. Last evaluated: 2018-03-09. Review status: criteria provided, single submitter. Criteria: Ambry Variant Classification Scheme 2023. Collection method: clinical testing. Allele origin: germline.
Comment: The p.R13378C variant (also known as c.40132C>T), located in coding exon 145 of the TTN gene, results from a C to T substitution at nucleotide position 40132. The arginine at codon 13378 is replaced by cysteine, an amino acid with highly dissimilar properties. This amino acid position is not well conserved in available vertebrate species. In addition, this alteration is predicted to be tolerated by in silico analysis. Since supporting evidence is limited at this time, the clinical significance of this alteration remains unclear.